The following is an entry in ClinVar:

ClinVar aggregate classification (germline): Conflicting classifications of pathogenicity. Review status: criteria provided, conflicting classifications (1 of 4 stars). 3 submissions from 3 submitters: Uncertain significance (1); Likely benign (2). Last evaluated 2024-10-25.

Conditions:
KBG syndrome (KBGS). Also called: ANKRD11-Related KBG Syndrome. Identifiers: Orphanet 2332, MedGen C0220687, MONDO:0007846, OMIM 148050.

Allele frequency attached by ClinVar (database versions not stated): gnomAD 0.00001; ExAC 0.00002; gnomAD exomes 0.00002.
gnomAD v4.1: 84 of 1,613,850 alleles (0.0052%); highest among the groups gnomAD compares: Non-Finnish European, 0.0069%; no homozygotes.

Submissions (3):

Blueprint Genetics
Classification: Likely benign. Last evaluated: 2024-10-25. Review status: criteria provided, single submitter. Criteria: ACMG Guidelines, 2015. Collection method: clinical testing. Allele origin: germline.

Labcorp Genetics (formerly Invitae), Labcorp
Classification: Uncertain significance for KBG syndrome. Last evaluated: 2023-09-17. Review status: criteria provided, single submitter. Criteria: Invitae Variant Classification Sherloc (09022015). Collection method: clinical testing. Allele origin: germline.
Comment: This variant is present in population databases (rs775910970, gnomAD 0.004%). This sequence change replaces arginine, which is basic and polar, with glutamine, which is neutral and polar, at codon 1156 of the ANKRD11 protein (p.Arg1156Gln). This variant has not been reported in the literature in individuals affected with ANKRD11-related conditions. In summary, the available evidence is currently insufficient to determine the role of this variant in disease. Therefore, it has been classified as a Variant of Uncertain Significance. Advanced modeling of protein sequence and biophysical properties (such as structural, functional, and spatial information, amino acid conservation, physicochemical variation, residue mobility, and thermodynamic stability) performed at Invitae indicates that this missense variant is not expected to disrupt ANKRD11 protein function. ClinVar contains an entry for this variant (Variation ID: 931173).

Centre for Mendelian Genomics, University Medical Centre Ljubljana
Classification: Likely benign for KBG syndrome. Last evaluated: 2019-04-09. Review status: criteria provided, single submitter. Criteria: ACMG Guidelines, 2015. Collection method: clinical testing. Allele origin: unknown. Affected: yes.
Comment: This variant was classified as: Likely benign. The following ACMG criteria were applied in classifying this variant: BS1,BP4.

NM_013275.6(ANKRD11):c.3467G>A (p.Arg1156Gln)

Gene: ANKRD11 (ankyrin repeat domain 11; minus strand). Cytogenetic location: 16q24.3.
Variant type: single nucleotide variant.
Coding change: c.3467G>A on transcript NM_013275.6 (MANE Select); coding-DNA position 3467, G replaced by A.
Protein change: p.Arg1156Gln; replaces arginine 1156 with glutamine.
Molecular consequence: missense variant.
Genome position (GRCh38, 1-based): chr16:89,283,075, C>T on the plus strand (G>A on the coding strand, the complement: ANKRD11 is on the minus strand). VCF-style: chr16-89283075-C-T. GRCh37 (hg19) VCF-style: chr16-89349483-C-T.
Other names: c.3467G>A, p.Arg1156Gln (NM_001256182.2, NM_001256183.2); short protein forms R1156Q.
Identifiers: ClinVar variation 931173 (VCV000931173.9), dbSNP rs775910970, ClinGen allele CA8242352.
Genomic context (GRCh38, chr16:89,283,075, plus strand): 5'-TGCCTCTCAGGGTGCTGCTTGTCAGAAGACTTCCTGTGTCTGTCGGAGGCATAGGCCTCC[C>T]GTCCTTCCTCCTTCTCCTGGAGGCCGTCCGTCCTCGGCAAGTCGCTGGCCTCTCCCATCT-3'
Protein context (NP_037407.4, residues 1146-1166): TDGLQEKEEG[Arg1156Gln]EAYASDRHRK